The following is an entry in ClinVar:

ClinVar aggregate classification (germline): Uncertain significance (1 of 4 stars; one submission).

Submission:

Labcorp Genetics (formerly Invitae), Labcorp
Classification: Uncertain significance. Last evaluated: 2022-08-19. Review status: criteria provided, single submitter. Criteria: Invitae Variant Classification Sherloc (09022015). Collection method: clinical testing. Allele origin: germline.
Comment: This variant is not present in population databases (gnomAD no frequency). This variant has not been reported in the literature in individuals affected with SLC19A2-related conditions. Advanced modeling of protein sequence and biophysical properties (such as structural, functional, and spatial information, amino acid conservation, physicochemical variation, residue mobility, and thermodynamic stability) performed at Invitae indicates that this missense variant is expected to disrupt SLC19A2 protein function. In summary, the available evidence is currently insufficient to determine the role of this variant in disease. Therefore, it has been classified as a Variant of Uncertain Significance. This sequence change replaces cysteine, which is neutral and slightly polar, with phenylalanine, which is neutral and non-polar, at codon 389 of the SLC19A2 protein (p.Cys389Phe).

NM_006996.3(SLC19A2):c.1166G>T (p.Cys389Phe)

Gene: SLC19A2 (solute carrier family 19 member 2; minus strand). Cytogenetic location: 1q24.2.
Variant type: single nucleotide variant.
Coding change: c.1166G>T on transcript NM_006996.3 (MANE Select); coding-DNA position 1166, G replaced by T.
Protein change: p.Cys389Phe; replaces cysteine 389 with phenylalanine.
Molecular consequence: missense variant.
Genome position (GRCh38, 1-based): chr1:169,468,701, C>A on the plus strand (G>T on the coding strand, the complement: SLC19A2 is on the minus strand). VCF-style: chr1-169468701-C-A. GRCh37 (hg19) VCF-style: chr1-169437939-C-A.
Other names: c.563G>T, p.Cys188Phe (NM_001319667.1); short protein forms C188F, C389F.
Identifiers: ClinVar variation 2120641 (VCV002120641.4), dbSNP rs2526236132, ClinGen allele CA343127890.